The following is an entry in ClinVar:

NM_000217.3(KCNA1):c.1171T>C (p.Leu391=)

Gene: KCNA1 (potassium voltage-gated channel subfamily A member 1; plus strand). Cytogenetic location: 12p13.32.
Variant type: single nucleotide variant.
Coding change: c.1171T>C on transcript NM_000217.3 (MANE Select); coding-DNA position 1171, T replaced by C.
Protein change: p.Leu391=; no amino-acid change (leucine 391 retained).
Molecular consequence: synonymous variant.
Genome position (GRCh38, 1-based): chr12:4,912,549, T>C. VCF-style: chr12-4912549-T-C. GRCh37 (hg19) VCF-style: chr12-5021715-T-C.
Identifiers: ClinVar variation 5040309 (VCV005040309.1).

ClinVar aggregate classification (germline): Likely benign (1 of 4 stars; one submission).

Submission:

CeGaT Center for Human Genetics Tuebingen
Classification: Likely benign. Last evaluated: 2026-07-01. Review status: criteria provided, single submitter. Criteria: CeGaT Center For Human Genetics Tuebingen Variant Classification Criteria Version 2. Collection method: clinical testing. Allele origin: germline. Affected: yes. Observed: 1 variant allele.
Comment: KCNA1: PM2:Supporting, BP4, BP7